The following is an entry in ClinVar:

NM_017841.4(SDHAF2):c.370+3A>G

Gene: SDHAF2 (succinate dehydrogenase complex assembly factor 2; plus strand). Cytogenetic location: 11q12.2.
Variant type: single nucleotide variant.
Coding change: c.370+3A>G on transcript NM_017841.4 (MANE Select); 3 bases into the intron after coding-DNA position 370, A replaced by G.
Molecular consequence: intron variant.
Genome position (GRCh38, 1-based): chr11:61,438,116, A>G. VCF-style: chr11-61438116-A-G. GRCh37 (hg19) VCF-style: chr11-61205588-A-G.
Other names: c.370+3A>G (NM_017841.2).
Identifiers: ClinVar variation 1045367 (VCV001045367.7), dbSNP rs773940746, ClinGen allele CA058819.

ClinVar aggregate classification (germline): Uncertain significance. Review status: criteria provided, multiple submitters, no conflicts (2 of 4 stars). 3 submissions from 3 submitters: Uncertain significance (3). Last evaluated 2024-10-12.

Conditions:
Pheochromocytoma/paraganglioma syndrome 2. Also called: GLOMUS TUMORS, FAMILIAL, 2; Paragangliomas 2; SDHAF2-Related Hereditary Paraganglioma-Pheochromocytoma Syndrome; SDHAF2-Related Hereditary Paraganglioma-Pheochromocytoma Syndrome (Paragangliomas 2). Identifiers: Orphanet 29072, MedGen C1866552, MONDO:0011121, OMIM 601650.
Hereditary cancer-predisposing syndrome. Also called: Tumor predisposition; Neoplastic Syndromes, Hereditary; Hereditary Cancer Syndrome; Hereditary neoplastic syndrome. Identifiers: Orphanet 140162, MedGen C0027672, MeSH D009386, MONDO:0015356.
Hereditary pheochromocytoma and paraganglioma. Also called: Hereditary paragangliomas and pheochromocytomas; Hereditary pheochromocytoma-paraganglioma; Hereditary Paraganglioma-Pheochromocytoma Syndromes. Identifiers: Orphanet 29072, MedGen C4274332, MONDO:0017366.

Allele frequency attached by ClinVar (database versions not stated): gnomAD exomes below 0.00001 and 0.00001; ExAC 0.00001.
gnomAD v4.1: 6 of 1,597,460 alleles (0.00038%); highest among the groups gnomAD compares: Admixed American, 0.0017%; no homozygotes.

Submissions (3):

Labcorp Genetics (formerly Invitae), Labcorp
Classification: Uncertain significance for Hereditary pheochromocytoma and paraganglioma. Last evaluated: 2024-10-12. Review status: criteria provided, single submitter. Criteria: Invitae Variant Classification Sherloc (09022015). Collection method: clinical testing. Allele origin: germline.
Comment: This sequence change falls in intron 3 of the SDHAF2 gene. It does not directly change the encoded amino acid sequence of the SDHAF2 protein. It affects a nucleotide within the consensus splice site. This variant is present in population databases (rs773940746, gnomAD 0.003%). This variant has not been reported in the literature in individuals affected with SDHAF2-related conditions. ClinVar contains an entry for this variant (Variation ID: 1045367). Variants that disrupt the consensus splice site are a relatively common cause of aberrant splicing (PMID: 17576681, 9536098). Algorithms developed to predict the effect of sequence changes on RNA splicing suggest that this variant may disrupt the consensus splice site. In summary, the available evidence is currently insufficient to determine the role of this variant in disease. Therefore, it has been classified as a Variant of Uncertain Significance.

Ambry Genetics
Classification: Uncertain significance for Hereditary cancer-predisposing syndrome. Last evaluated: 2024-02-27. Review status: criteria provided, single submitter. Criteria: Ambry Variant Classification Scheme 2023. Collection method: clinical testing. Allele origin: germline.
Comment: The c.370+3A>G intronic variant results from an A to G substitution 3 nucleotides after coding exon 3 in the SDHAF2 gene. This nucleotide position is highly conserved in available vertebrate species. In silico splice site analysis predicts that this alteration will weaken the native splice donor site and may result in the creation or strengthening of a novel splice donor site; however, direct evidence is insufficient at this time (Ambry internal data). Based on the available evidence, the clinical significance of this alteration remains unclear.

Baylor Genetics
Classification: Uncertain significance for Pheochromocytoma/paraganglioma syndrome 2. Last evaluated: 2024-01-17. Review status: criteria provided, single submitter. Criteria: ACMG Guidelines, 2015. Collection method: clinical testing. Allele origin: unknown.

Literature cited by the submitters: PubMed 17576681 (cited by Labcorp Genetics (formerly Invitae), Labcorp); PubMed 9536098 (cited by Labcorp Genetics (formerly Invitae), Labcorp).